The following is an entry in ClinVar:

ClinVar aggregate classification (germline): Conflicting classifications of pathogenicity. Review status: criteria provided, conflicting classifications (1 of 4 stars). 3 submissions from 3 submitters: Uncertain significance (2); Likely benign (1). Last evaluated 2026-04-24.

Conditions:
Autosomal recessive nonsyndromic hearing loss 3. Also called: NEUROSENSORY NONSYNDROMIC RECESSIVE DEAFNESS 3. Identifiers: Orphanet 90636, MedGen C1838263, MONDO:0010860, OMIM 600316.
MYO15A-related disorder. Also called: MYO15A-related condition.

Allele frequency attached by ClinVar (database versions not stated): gnomAD 0.00001 and 0.00002; TOPMed 0.00002; gnomAD exomes 0.00009 and 0.00012; ExAC 0.00010; 1000 Genomes Project 30x 0.00016; 1000 Genomes Project 0.00020.
gnomAD v4.1: 170 of 1,613,702 alleles (0.011%); highest among the groups gnomAD compares: East Asian, 0.37%; 1 homozygote.

Submissions (3):

PreventionGenetics, part of Exact Sciences
Classification: Uncertain significance for MYO15A-related condition. Last evaluated: 2026-04-24. Review status: criteria provided, single submitter. Criteria: ACMG Guidelines, 2015. Collection method: clinical testing. Allele origin: germline.
Comment: The MYO15A c.7990C>A variant is predicted to result in the amino acid substitution p.Pro2664Thr. This variant was reported along with a second potentially causative MYO15A variant in an individual with hearing loss (Jung et al. 2017. PubMed ID: 28383030). This variant is reported in 0.12% of alleles in individuals of East Asian descent in gnomAD. At this time, the clinical significance of this variant is uncertain due to the absence of conclusive functional and genetic evidence.

Labcorp Genetics (formerly Invitae), Labcorp
Classification: Likely benign. Last evaluated: 2024-04-01. Review status: criteria provided, single submitter. Criteria: Invitae Variant Classification Sherloc (09022015). Collection method: clinical testing. Allele origin: germline.

Illumina Laboratory Services, Illumina
Classification: Uncertain significance for Autosomal recessive nonsyndromic hearing loss 3. Last evaluated: 2018-01-13. Review status: criteria provided, single submitter. Criteria: ICSL Variant Classification Criteria 13 December 2019. Collection method: clinical testing. Allele origin: germline.

NM_016239.4(MYO15A):c.7990C>A (p.Pro2664Thr)

Gene: MYO15A (myosin XVA; plus strand). Cytogenetic location: 17p11.2.
Variant type: single nucleotide variant.
Coding change: c.7990C>A on transcript NM_016239.4 (MANE Select); coding-DNA position 7990, C replaced by A.
Protein change: p.Pro2664Thr; replaces proline 2664 with threonine.
Molecular consequence: missense variant.
Genome position (GRCh38, 1-based): chr17:18,153,798, C>A. VCF-style: chr17-18153798-C-A. GRCh37 (hg19) VCF-style: chr17-18057112-C-A.
Other names: short protein forms P2664T.
Identifiers: ClinVar variation 889944 (VCV000889944.8), dbSNP rs577657134, ClinGen allele CA8424994.